The following is an entry in ClinVar:

NM_153676.4(USH1C):c.1801C>A (p.Pro601Thr)

Gene: USH1C (USH1 protein network component harmonin; minus strand). Cytogenetic location: 11p15.1.
Variant type: single nucleotide variant.
Coding change: c.1801C>A on transcript NM_153676.4 (MANE Select); coding-DNA position 1801, C replaced by A.
Protein change: p.Pro601Thr; replaces proline 601 with threonine.
Molecular consequence: missense variant. On other transcripts: intron variant (2).
Genome position (GRCh38, 1-based): chr11:17,509,568, G>T on the plus strand (C>A on the coding strand, the complement: USH1C is on the minus strand). VCF-style: chr11-17509568-G-T. GRCh37 (hg19) VCF-style: chr11-17531115-G-T.
Other names: c.1228-7588C>A (NM_001297764.2); c.1285-7588C>A (NM_005709.4); short protein forms P601T.
Identifiers: ClinVar variation 166379 (VCV000166379.14), dbSNP rs727503710, ClinGen allele CA179472.

ClinVar aggregate classification (germline): Conflicting classifications of pathogenicity. Review status: criteria provided, conflicting classifications (1 of 4 stars). 3 submissions from 3 submitters: Uncertain significance (2); Likely benign (1). Last evaluated 2025-07-28.

Allele frequency attached by ClinVar (database versions not stated): TOPMed 0.00010.

Submissions (3):

GeneDx
Classification: Uncertain significance. Last evaluated: 2025-07-28. Review status: criteria provided, single submitter. Criteria: GeneDx Variant Classification Process June 2021. Collection method: clinical testing. Allele origin: germline.
Comment: In silico analysis suggests that this missense variant does not alter protein structure/function; Has not been previously published as pathogenic or benign to our knowledge; Reported using an alternate transcript of the gene

Labcorp Genetics (formerly Invitae), Labcorp
Classification: Likely benign. Last evaluated: 2021-03-22. Review status: criteria provided, single submitter. Criteria: Invitae Variant Classification Sherloc (09022015). Collection method: clinical testing. Allele origin: germline.

Laboratory for Molecular Medicine, Mass General Brigham Personalized Medicine
Classification: Uncertain significance. Last evaluated: 2014-06-24. Review status: criteria provided, single submitter. Criteria: LMM Criteria. Collection method: clinical testing. Allele origin: germline. Observed: 1 variant allele.
Comment: The Pro601Thr variant in USH1C has not been previously reported in individuals w ith hearing loss. Data from large population studies is insufficient to assess t he frequency of this variant. Computational prediction tools and conservation an alyses do not provide strong support for or against an impact to the protein. In summary, the clinical significance of the Pro601Thr variant is uncertain.